The following is an entry in ClinVar:

ClinVar aggregate classification (germline): Conflicting classifications of pathogenicity. Review status: criteria provided, conflicting classifications (1 of 4 stars). 2 submissions from 2 submitters: Uncertain significance (1); Likely benign (1). Last evaluated 2026-07-14.

Conditions:
Inborn genetic diseases. Identifiers: MedGen C0950123, MeSH D030342.
Early-infantile DEE. Also called: Early infantile epileptic encephalopathy; Ohtahara syndrome; Early infantile epileptic encephalopathy with suppression bursts. Identifiers: Orphanet 1934, MedGen C0393706, MONDO:0800491.

Allele frequency attached by ClinVar (database versions not stated): gnomAD exomes below 0.00001.
gnomAD v4.1: 4 of 1,613,632 alleles (0.00025%); highest among the groups gnomAD compares: East Asian, 0.0022%; no homozygotes.

Submissions (2):

Ambry Genetics
Classification: Uncertain significance for Inborn genetic diseases. Last evaluated: 2026-07-14. Review status: criteria provided, single submitter. Criteria: Ambry Variant Classification Scheme 2023. Collection method: clinical testing. Allele origin: germline.
Comment: The c.3817C>T (p.R1273C) alteration is located in exon 30 (coding exon 29) of the SPTAN1 gene. This alteration results from a C to T substitution at nucleotide position 3817, causing the arginine (R) at amino acid position 1273 to be replaced by a cysteine (C). Based on data from gnomAD, the T allele has an overall frequency of <0.001% (1/251402) total alleles studied. The highest observed frequency was 0.005% (1/18392) of East Asian alleles. Based on insufficient or conflicting evidence, the clinical significance of this alteration remains unclear.

Labcorp Genetics (formerly Invitae), Labcorp
Classification: Likely benign for Early-infantile DEE. Last evaluated: 2024-04-22. Review status: criteria provided, single submitter. Criteria: Invitae Variant Classification Sherloc (09022015). Collection method: clinical testing. Allele origin: germline.

NM_001130438.3(SPTAN1):c.3817C>T (p.Arg1273Cys)

Gene: SPTAN1 (spectrin alpha, non-erythrocytic 1; plus strand). Cytogenetic location: 9q34.11.
Variant type: single nucleotide variant.
Coding change: c.3817C>T on transcript NM_001130438.3 (MANE Select); coding-DNA position 3817, C replaced by T.
Protein change: p.Arg1273Cys; replaces arginine 1273 with cysteine.
Molecular consequence: missense variant.
Genome position (GRCh38, 1-based): chr9:128,605,131, C>T. VCF-style: chr9-128605131-C-T. GRCh37 (hg19) VCF-style: chr9-131367410-C-T.
Other names: c.3757C>T, p.Arg1253Cys (NM_001195532.2, NM_001363765.2, NM_001375314.2); c.3817C>T, p.Arg1273Cys (NM_001363759.2, NM_001375310.1, NM_001375311.2 and 2 more transcripts); c.3853C>T, p.Arg1285Cys (NM_001375312.2, NM_001375318.1); short protein forms R1253C, R1285C, R1273C.
Identifiers: ClinVar variation 833581 (VCV000833581.11), dbSNP rs1160926095, ClinGen allele CA375064723.